The following is an entry in ClinVar:

ClinVar aggregate classification (germline): Uncertain significance (1 of 4 stars; one submission).

Conditions:
Cardiovascular phenotype. Identifiers: MedGen CN230736.
Hereditary cancer-predisposing syndrome. Also called: Tumor predisposition; Hereditary Cancer Syndrome; Neoplastic Syndromes, Hereditary; Hereditary neoplastic syndrome. Identifiers: Orphanet 140162, MedGen C0027672, MeSH D009386, MONDO:0015356.

Submission:

Ambry Genetics
Classification: Uncertain significance for Cardiovascular phenotype; Hereditary cancer-predisposing syndrome. Last evaluated: 2019-08-23. Review status: criteria provided, single submitter. Criteria: Ambry Variant Classification Scheme 2023. Collection method: clinical testing. Allele origin: germline.
Comment: The p.A306V variant (also known as c.917C>T), located in coding exon 9 of the NF1 gene, results from a C to T substitution at nucleotide position 917. The alanine at codon 306 is replaced by valine, an amino acid with similar properties. This amino acid position is highly conserved in available vertebrate species. In addition, the in silico prediction for this alteration is inconclusive. Since supporting evidence is limited at this time, the clinical significance of this alteration remains unclear.

NM_001042492.3(NF1):c.917C>T (p.Ala306Val)

Gene: NF1 (neurofibromin 1; plus strand). Cytogenetic location: 17q11.2.
Variant type: single nucleotide variant.
Coding change: c.917C>T on transcript NM_001042492.3 (MANE Select); coding-DNA position 917, C replaced by T.
Protein change: p.Ala306Val; replaces alanine 306 with valine.
Molecular consequence: missense variant.
Genome position (GRCh38, 1-based): chr17:31,200,450, C>T. VCF-style: chr17-31200450-C-T. GRCh37 (hg19) VCF-style: chr17-29527468-C-T.
Other names: c.917C>T, p.Ala306Val (NM_000267.4, NM_001128147.3); short protein forms A306V.
Identifiers: ClinVar variation 823068 (VCV000823068.4), dbSNP rs1597680783, ClinGen allele CA398995600.